The following is an entry in ClinVar:

NM_001385012.1(NBEA):c.6811A>G (p.Ile2271Val)

Gene: NBEA (neurobeachin; plus strand). Cytogenetic location: 13q13.3.
Variant type: single nucleotide variant.
Coding change: c.6811A>G on transcript NM_001385012.1 (MANE Select); coding-DNA position 6811, A replaced by G.
Protein change: p.Ile2271Val; replaces isoleucine 2271 with valine.
Molecular consequence: missense variant.
Genome position (GRCh38, 1-based): chr13:35,554,991, A>G. VCF-style: chr13-35554991-A-G. GRCh37 (hg19) VCF-style: chr13-36129128-A-G.
Other names: c.190A>G, p.Ile64Val (NM_001204197.3); c.6802A>G, p.Ile2268Val (NM_001379245.1); c.6811A>G, p.Ile2271Val (NM_015678.5); short protein forms I2271V, I2268V, I64V.
Identifiers: ClinVar variation 5000763 (VCV005000763.1).

ClinVar aggregate classification (germline): Uncertain significance (1 of 4 stars; one submission).

Conditions:
NBEA-related disorder. Also called: NBEA-related condition.

Submission:

PreventionGenetics, part of Exact Sciences
Classification: Uncertain significance for NBEA-related condition. Last evaluated: 2025-02-12. Review status: criteria provided, single submitter. Criteria: ACMG Guidelines, 2015. Collection method: clinical testing. Allele origin: germline.
Comment: The NBEA c.6811A>G variant is predicted to result in the amino acid substitution p.Ile2271Val. To our knowledge, this variant has not been reported in the literature or in a large population database (gnomAD), indicating this variant is rare. At this time, the clinical significance of this variant is uncertain due to the absence of conclusive functional and genetic evidence.